The following is an entry in ClinVar:

NM_001083116.3(PRF1):c.1034C>G (p.Pro345Arg)

Gene: PRF1 (perforin 1; minus strand). Cytogenetic location: 10q22.1.
Variant type: single nucleotide variant.
Coding change: c.1034C>G on transcript NM_001083116.3 (MANE Select); coding-DNA position 1034, C replaced by G.
Protein change: p.Pro345Arg; replaces proline 345 with arginine.
Molecular consequence: missense variant.
Genome position (GRCh38, 1-based): chr10:70,598,687, G>C on the plus strand (C>G on the coding strand, the complement: PRF1 is on the minus strand). VCF-style: chr10-70598687-G-C. GRCh37 (hg19) VCF-style: chr10-72358443-G-C.
Other names: c.1034C>G, p.Pro345Arg (NM_005041.6); short protein forms P345R.
Identifiers: ClinVar variation 2136870 (VCV002136870.9), dbSNP rs28933374, ClinGen allele CA376957457.
Genomic context (GRCh38, chr10:70,598,687, plus strand): 5'-CTCAGGGCCCTCCTCAGTGCCTCCCGCCGCGGGTCCTGGCTGTCCAGCAGCACGTGCAGG[G>C]GTTCCAGGGTGTAGTCCACCAGGCCAGGGCTGCCGGGCAGCGAGTTTACCCAGGCTGAGT-3'
Protein context (NP_001076585.1, residues 335-355): SPGLVDYTLE[Pro345Arg]LHVLLDSQDP

ClinVar aggregate classification (germline): Conflicting classifications of pathogenicity. Review status: criteria provided, conflicting classifications (1 of 4 stars). 4 submissions from 4 submitters: Pathogenic (1); Likely pathogenic (1); Uncertain significance (2). Last evaluated 2026-02-11.

Conditions:
Familial hemophagocytic lymphohistiocytosis (FHL). Also called: Familial erythrophagocytic lymphohistiocytosis; Familial histiocytic reticulosis; Hereditary hemophagocytic lymphohistiocytosis. Identifiers: Orphanet 158038, Orphanet 540, MedGen C0272199, MONDO:0015541.
Familial hemophagocytic lymphohistiocytosis 2 (FHL2). Also called: PRF1-Related Familial Hemophagocytic Lymphohistiocytosis (PRF1-fHLH). Identifiers: Orphanet 540, MedGen C1863727, MONDO:0011337, OMIM 603553.

Submissions (4):

Myriad Genetics, Inc.
Classification: Uncertain significance for Familial hemophagocytic lymphohistiocytosis 2. Last evaluated: 2026-02-11. Review status: criteria provided, single submitter. Criteria: Myriad Autosomal Dominant, Autosomal Recessive and X-Linked Classification Criteria (2023). Collection method: clinical testing. Allele origin: unknown.
Comment: NM_001083116.1(PRF1):c.1034C>G(P345R) is a missense variant classified as a variant of uncertain significance in the context of familial hemophagocytic lymphohistiocytosis, PRF1-related. P345R has been observed in a case with relevant disease (PMID: 28750028, 35835228). Relevant functional assessments of this variant are not available in the literature. P345R has not been observed in referenced population frequency databases. In summary, there is insufficient evidence to classify NM_001083116.1(PRF1):c.1034C>G(P345R) as pathogenic or benign. Please note: this variant was assessed in the context of healthy population screening.

Women's Health and Genetics/Laboratory Corporation of America, LabCorp
Classification: Likely pathogenic for Familial hemophagocytic lymphohistiocytosis. Last evaluated: 2025-07-11. Review status: criteria provided, single submitter. Criteria: LabCorp Variant Classification Summary - May 2015. Collection method: clinical testing. Allele origin: germline.
Comment: Variant summary: PRF1 c.1034C>G (p.Pro345Arg) results in a non-conservative amino acid change located in the MAC/Perforin domain (IPR020864) of the encoded protein sequence. Algorithms developed to predict the effect of missense changes on protein structure and function all suggest that this variant is likely to be disruptive. The variant was absent in 250518 control chromosomes. c.1034C>G has been reported in the literature in a compound heterozygous individual affected with Familial Hemophagocytic Lymphohistiocytosis (Omoyinmi_2017, internal data). These data indicate that the variant is likely to be associated with disease. To our knowledge, no experimental evidence demonstrating an impact on protein function has been reported. The following publication have been ascertained in the context of this evaluation (PMID: 28750028). ClinVar contains an entry for this variant (Variation ID: 2136870). Based on the evidence outlined above, the variant was classified as likely pathogenic.

Labcorp Genetics (formerly Invitae), Labcorp
Classification: Pathogenic for Familial hemophagocytic lymphohistiocytosis 2. Last evaluated: 2025-01-20. Review status: criteria provided, single submitter. Criteria: Invitae Variant Classification Sherloc (09022015). Collection method: clinical testing. Allele origin: germline.
Comment: This sequence change replaces proline, which is neutral and non-polar, with arginine, which is basic and polar, at codon 345 of the PRF1 protein (p.Pro345Arg). This variant is not present in population databases (gnomAD no frequency). This missense change has been observed in individual(s) with familial haemophagocytic lymphohistiocytosis (PMID: 28750028; internal data). In at least one individual the data is consistent with being in trans (on the opposite chromosome) from a pathogenic variant. It has also been observed to segregate with disease in related individuals. ClinVar contains an entry for this variant (Variation ID: 2136870). Invitae Evidence Modeling of protein sequence and biophysical properties (such as structural, functional, and spatial information, amino acid conservation, physicochemical variation, residue mobility, and thermodynamic stability) indicates that this missense variant is expected to disrupt PRF1 protein function with a positive predictive value of 95%. For these reasons, this variant has been classified as Pathogenic.

GeneDx
Classification: Uncertain significance. Last evaluated: 2024-12-23. Review status: criteria provided, single submitter. Criteria: GeneDx Variant Classification Process June 2021. Collection method: clinical testing. Allele origin: germline. Affected: yes.
Comment: Not observed at significant frequency in large population cohorts (gnomAD); In silico analysis supports that this missense variant has a deleterious effect on protein structure/function; This variant is associated with the following publications: (PMID: 28750028, 35835228)

Literature cited by the submitters: PubMed 28750028 (cited by 3 submitters); PubMed 35835228 (cited by Myriad Genetics, Inc.).